The following is an entry in ClinVar:

ClinVar aggregate classification (germline): Uncertain significance (1 of 4 stars; one submission).

Submission:

GeneDx
Classification: Uncertain significance. Last evaluated: 2019-08-19. Review status: criteria provided, single submitter. Criteria: GeneDx Variant Classification Process June 2021. Collection method: clinical testing. Allele origin: germline. Affected: yes.
Comment: Not observed in large population cohorts (Lek et al., 2016); In silico analysis, which includes protein predictors and evolutionary conservation, supports that this variant does not alter protein structure/function; Has not been previously published as pathogenic or benign to our knowledge

NM_003998.4(NFKB1):c.1829G>A (p.Ser610Asn)

Gene: NFKB1 (nuclear factor kappa B subunit 1; plus strand). Cytogenetic location: 4q24.
Variant type: single nucleotide variant.
Coding change: c.1829G>A on transcript NM_003998.4 (MANE Select); coding-DNA position 1829, G replaced by A.
Protein change: p.Ser610Asn; replaces serine 610 with asparagine.
Molecular consequence: missense variant.
Genome position (GRCh38, 1-based): chr4:102,606,572, G>A. VCF-style: chr4-102606572-G-A. GRCh37 (hg19) VCF-style: chr4-103527729-G-A.
Other names: c.1826G>A, p.Ser609Asn (NM_001165412.2, NM_001319226.2, NM_001382627.1); c.1829G>A, p.Ser610Asn (NM_001382625.1, NM_001382626.1); c.1787G>A, p.Ser596Asn (NM_001382628.1); short protein forms S596N, S609N, S610N.
Identifiers: ClinVar variation 1307329 (VCV001307329.2), dbSNP rs2149220749, ClinGen allele CA357751991.
Genomic context (GRCh38, chr4:102,606,572, plus strand): 5'-CAGTGATCACTAAGCAGGAAGATGTGGTGGAGGATTTGCTGAGGGCTGGGGCCGACCTGA[G>A]CCTTCTGGACCGCTTGGGTAACTCTGTTTTGCACCTAGCTGCCAAAGAAGGACATGATAA-3'
Protein context (NP_003989.2, residues 600-620): EDLLRAGADL[Ser610Asn]LLDRLGNSVL